The following is an entry in ClinVar:

ClinVar aggregate classification (germline): Conflicting classifications of pathogenicity. Review status: criteria provided, conflicting classifications (1 of 4 stars). 14 submissions from 14 submitters: Uncertain significance (8); Benign (1); Likely benign (4). 1 of the submissions does not count toward it. Last evaluated 2026-02-14.

Conditions:
BMPR1A-related disorder. Also called: BMPR1A-related condition.
Juvenile polyposis syndrome (JPS). Identifiers: Orphanet 2929, MedGen C0345893, MONDO:0017380, OMIM 174900.
Polyposis syndrome, hereditary mixed, 2. Identifiers: Orphanet 157794, MedGen C1864730, MONDO:0012405, OMIM 610069.
Hereditary cancer-predisposing syndrome. Also called: Tumor predisposition; Neoplastic Syndromes, Hereditary; Hereditary neoplastic syndrome; Hereditary Cancer Syndrome. Identifiers: Orphanet 140162, MedGen C0027672, MeSH D009386, MONDO:0015356.
Generalized juvenile polyposis/juvenile polyposis coli. Also called: Juvenile polyposis coli. Identifiers: Orphanet 329971, MedGen C1868081, MONDO:0008276.

Allele frequency attached by ClinVar (database versions not stated): ExAC 0.00003; gnomAD 0.00003 and 0.00004; gnomAD exomes 0.00005 and 0.00006; TOPMed 0.00006.
gnomAD v4.1: 81 of 1,613,754 alleles (0.005%); highest among the groups gnomAD compares: Non-Finnish European, 0.0036%; no homozygotes.

Submissions (14):

PreventionGenetics, part of Exact Sciences
Classification: Uncertain significance for BMPR1A-related condition. Last evaluated: 2026-02-14. Review status: criteria provided, single submitter. Criteria: ACMG Guidelines, 2015. Collection method: clinical testing. Allele origin: germline.
Comment: The BMPR1A c.760C>T variant is predicted to result in the amino acid substitution p.Arg254Cys. This variant was reported in individuals with breast or colorectal  cancer (Table S1, Selkirk et al. 2014. PubMed ID: 25117502; supporting information file 2, Tung et al. 2015. PubMed ID: 25186627; Table S1, Shirts et al. 2016. PubMed ID: 26845104; Yurgelun et al. 2017. PubMed ID: 28135145; Rosner et al. 2022. PubMed ID: 36049049). This variant is reported in 0.13% of alleles in individuals of Ashkenazi Jewish descent in gnomAD and has conflicting interpretations of pathogenicity in ClinVar ranging from benign to uncertain (Variation ID: 142599). Although we suspect that this variant may be benign, at this time, the clinical significance of this variant is uncertain due to the absence of conclusive functional and genetic evidence.

Labcorp Genetics (formerly Invitae), Labcorp
Classification: Likely benign for Juvenile polyposis syndrome. Last evaluated: 2026-01-21. Review status: criteria provided, single submitter. Criteria: Invitae Variant Classification Sherloc (09022015). Collection method: clinical testing. Allele origin: germline.

Women's Health and Genetics/Laboratory Corporation of America, LabCorp
Classification: Likely benign. Last evaluated: 2025-08-18. Review status: criteria provided, single submitter. Criteria: LabCorp Variant Classification Summary - May 2015. Collection method: clinical testing. Allele origin: germline.
Comment: Variant summary: BMPR1A c.760C>T (p.Arg254Cys) results in a non-conservative amino acid change located in the Protein kinase domain (IPR000719) of the encoded protein sequence. Algorithms developed to predict the effect of missense changes on protein structure and function all suggest that this variant is likely to be disruptive. The variant allele was found at a frequency of 5.6e-05 in 251296 control chromosomes (gnomAD). The observed variant frequency is approximately 28 fold of the estimated maximal expected allele frequency for a pathogenic variant in BMPR1A causing Juvenile Polyposis Syndrome phenotype (2e-06). c.760C>T has been observed in individuals affected with breast or colorectal cancer (e.g., Tung_2015, Yurgelun_2017, Rosner_2022). These reports do not provide unequivocal conclusions about association of the variant with Juvenile Polyposis Syndrome. To our knowledge, no experimental evidence demonstrating an impact on protein function has been reported. The following publications have been ascertained in the context of this evaluation (PMID: 25186627, 28135145, 36049049). ClinVar contains an entry for this variant (Variation ID: 142599). Based on the evidence outlined above, the variant was classified as likely benign.

Color Diagnostics, LLC DBA Color Health
Classification: Likely benign for Hereditary cancer-predisposing syndrome. Last evaluated: 2024-01-04. Review status: criteria provided, single submitter. Criteria: ACMG Guidelines, 2015. Collection method: clinical testing. Allele origin: germline.

GeneDx
Classification: Uncertain significance. Last evaluated: 2023-08-22. Review status: criteria provided, single submitter. Criteria: GeneDx Variant Classification Process June 2021. Collection method: clinical testing. Allele origin: germline. Affected: yes.
Comment: In silico analysis supports that this missense variant has a deleterious effect on protein structure/function; Observed in individuals with a personal and/or family history or breast or colon cancer, as well as in unaffected controls in a study of biliary tract cancer (Selkirk et al., 2014; Tung et al., 2015; Shirts et al., 2016; Yurgelun et al., 2017; Rosner et al., 2022; Okawa et al., 2023); This variant is associated with the following publications: (PMID: 24755471, 25117502, 26845104, 28135145, 25186627, 36049049, 36243179)

Quest Diagnostics Nichols Institute San Juan Capistrano
Classification: Benign. Last evaluated: 2023-04-26. Review status: criteria provided, single submitter. Criteria: Quest Diagnostics criteria. Collection method: clinical testing. Allele origin: unknown.

Myriad Genetics, Inc.
Classification: Uncertain significance for Juvenile polyposis syndrome. Last evaluated: 2023-03-02. Review status: criteria provided, single submitter. Criteria: Myriad Autosomal Dominant, Autosomal Recessive and X-Linked Classification Criteria (2023). Collection method: clinical testing. Allele origin: unknown.
Comment: This variant is classified as a variant of uncertain significance as there is insufficient evidence to determine its impact on protein function and/or cancer risk.

Department of Pathology and Laboratory Medicine, Sinai Health System
Classification: Uncertain significance for Juvenile polyposis syndrome; Polyposis syndrome, hereditary mixed, 2. Last evaluated: 2022-08-12. Review status: criteria provided, single submitter. Criteria: ACMG Guidelines, 2015. Collection method: clinical testing. Allele origin: germline. Affected: yes.

Sema4
Classification: Uncertain significance for Hereditary cancer-predisposing syndrome. Last evaluated: 2022-03-04. Review status: criteria provided, single submitter. Criteria: Sema4 Curation Guidelines. Collection method: curation. Allele origin: germline.
Comment: The BMPR1A c.760C>T (p.R254C) variant has been reported in 6 individuals with colorectal cancer, breast cancer, glioblastoma, and pancreatic ductal adenocarcinoma (PMIDs 28135145, 25186627, 26689913, 26845104, 25117502, 28726808). This variant was observed in 13/10078 chromosomes in the Ashkenazi Jewish population, according to the Genome Aggregation Database (PMID: 32461654). The subpopulation frequency of this variant is higher than expected for a pathogenic variant based on disease/syndrome prevalence and penetrance. This variant has been reported in ClinVar (Variation ID 142599). In silico tools suggest the impact of the variant on protein function is deleterious, though these predictions have not been confirmed by functional studies. The overall evidence is insufficient to meet ACMG/AMP criteria for classifying it as benign or pathogenic. In summary, the clinical significance of this variant is currently uncertain.

Baylor Genetics
Classification: Uncertain significance for Polyposis syndrome, hereditary mixed, 2. Last evaluated: 2021-05-25. Review status: criteria provided, single submitter. Criteria: ACMG Guidelines, 2015. Collection method: clinical testing. Allele origin: maternal. Affected: yes. Study: CSER-TexasKidsCanSeq.
Comment: This variant was determined to be of uncertain significance according to ACMG Guidelines, 2015 [PMID:25741868].

Ambry Genetics
Classification: Likely benign for Hereditary cancer-predisposing syndrome. Last evaluated: 2019-02-09. Review status: criteria provided, single submitter. Criteria: Ambry Variant Classification Scheme 2023. Collection method: clinical testing. Allele origin: germline.

Fulgent Genetics
Classification: Uncertain significance for Juvenile polyposis syndrome; Polyposis syndrome, hereditary mixed, 2. Last evaluated: 2017-05-23. Review status: criteria provided, single submitter. Criteria: ACMG Guidelines, 2015. Collection method: clinical testing. Allele origin: unknown.

University of Washington Department of Laboratory Medicine, University of Washington
Classification: Uncertain significance for Hereditary cancer-predisposing syndrome. Last evaluated: 2015-11-20. Review status: criteria provided, single submitter. Criteria: Shirts et al. (Genet Med 2016). Collection method: clinical testing. Allele origin: germline. Observed: 1 variant allele.

Counsyl
Classification: Uncertain significance for Juvenile polyposis syndrome. Last evaluated: 2016-02-03. Review status: no assertion criteria provided. Collection method: clinical testing. Allele origin: unknown. Not counted in ClinVar's aggregate classification.

Literature cited by the submitters: PubMed 25186627 (cited by Women's Health and Genetics/Laboratory Corporation of America, LabCorp and Counsyl); PubMed 28135145 (cited by 3 submitters); PubMed 36049049 (cited by Women's Health and Genetics/Laboratory Corporation of America, LabCorp); PubMed 25117502 (cited by Quest Diagnostics Nichols Institute San Juan Capistrano and Ambry Genetics); PubMed 26845104 (cited by Quest Diagnostics Nichols Institute San Juan Capistrano and Ambry Genetics); PubMed 18823382 (cited by Ambry Genetics); PubMed 23433720 (cited by Ambry Genetics).

NM_004329.3(BMPR1A):c.760C>T (p.Arg254Cys)

Gene: BMPR1A (bone morphogenetic protein receptor type 1A; plus strand). Cytogenetic location: 10q23.2.
Variant type: single nucleotide variant.
Coding change: c.760C>T on transcript NM_004329.3 (MANE Select); coding-DNA position 760, C replaced by T.
Protein change: p.Arg254Cys; replaces arginine 254 with cysteine.
Molecular consequence: missense variant.
Genome position (GRCh38, 1-based): chr10:86,917,218, C>T. VCF-style: chr10-86917218-C-T. GRCh37 (hg19) VCF-style: chr10-88676975-C-T.
Other names: short protein forms R254C.
Identifiers: ClinVar variation 142599 (VCV000142599.43), dbSNP rs587782578, ClinGen allele CA168787.
Genomic context (GRCh38, chr10:86,917,218, plus strand): 5'-ATTCAGATGGTCCGGCAAGTTGGTAAAGGCCGATATGGAGAAGTATGGATGGGCAAATGG[C>T]GTGGCGAAAAAGTGGCGGTGAAAGTATTCTTTACCACTGAAGAAGCCAGCTGGTTTCGAG-3'
Protein context (NP_004320.2, residues 244-264): RYGEVWMGKW[Arg254Cys]GEKVAVKVFF